The following is an entry in ClinVar:

NM_000260.4(MYO7A):c.3963C>T (p.Asp1321=)

Gene: MYO7A (myosin VIIA; plus strand). Cytogenetic location: 11q13.5.
Variant type: single nucleotide variant.
Coding change: c.3963C>T on transcript NM_000260.4 (MANE Select); coding-DNA position 3963, C replaced by T.
Protein change: p.Asp1321=; no amino-acid change (aspartic acid 1321 retained).
Molecular consequence: synonymous variant.
Genome position (GRCh38, 1-based): chr11:77,192,089, C>T. VCF-style: chr11-77192089-C-T. GRCh37 (hg19) VCF-style: chr11-76903134-C-T.
Other names: c.3963C>T, p.Asp1321= (NM_001127180.2); c.3930C>T, p.Asp1310= (NM_001369365.1).
Identifiers: ClinVar variation 744995 (VCV000744995.24), dbSNP rs376777290, ClinGen allele CA6198275.
Genomic context (GRCh38, chr11:77,192,089, plus strand): 5'-CCCCTCCCCTCTGTGCCCACAGGTGTCCTCCCTGGGCAGCGGCAGTGACCACGTCATGGA[C>T]GCCATCTCCCAGTGCGAGCAGTACGCCAAGGAGCAGGGCGCCCAGGAGCGCAACGCCCCC-3'
Protein context (NP_000251.3, residues 1311-1331): SLGSGSDHVM[Asp1321=]AISQCEQYAK

ClinVar aggregate classification (germline): Likely benign. Review status: criteria provided, multiple submitters, no conflicts (2 of 4 stars). 3 submissions from 3 submitters: Likely benign (3). Last evaluated 2025-09-15.

Allele frequency attached by ClinVar (database versions not stated): gnomAD exomes 0.00001 and 0.00003; ExAC 0.00002; gnomAD 0.00004; TOPMed 0.00005; ESP Exome Variant Server 0.00008.
gnomAD v4.1: 21 of 1,613,690 alleles (0.0013%); highest among the groups gnomAD compares: African/African-American, 0.0067%; no homozygotes.

Submissions (3):

Labcorp Genetics (formerly Invitae), Labcorp
Classification: Likely benign. Last evaluated: 2025-09-15. Review status: criteria provided, single submitter. Criteria: Invitae Variant Classification Sherloc (09022015). Collection method: clinical testing. Allele origin: germline.

CeGaT Center for Human Genetics Tuebingen
Classification: Likely benign. Last evaluated: 2024-12-01. Review status: criteria provided, single submitter. Criteria: CeGaT Center For Human Genetics Tuebingen Variant Classification Criteria Version 2. Collection method: clinical testing. Allele origin: germline. Affected: yes. Observed: 1 variant allele.
Comment: MYO7A: BP4, BP7

Blueprint Genetics
Classification: Likely benign. Last evaluated: 2023-03-09. Review status: criteria provided, single submitter. Criteria: ACMG Guidelines, 2015. Collection method: clinical testing. Allele origin: germline.